The following is an entry in ClinVar:

NM_005236.3(ERCC4):c.2087C>T (p.Pro696Leu)

Gene: ERCC4 (ERCC excision repair 4, endonuclease catalytic subunit; plus strand). Cytogenetic location: 16p13.12.
Variant type: single nucleotide variant.
Coding change: c.2087C>T on transcript NM_005236.3 (MANE Select); coding-DNA position 2087, C replaced by T.
Protein change: p.Pro696Leu; replaces proline 696 with leucine.
Molecular consequence: missense variant.
Genome position (GRCh38, 1-based): chr16:13,947,683, C>T. VCF-style: chr16-13947683-C-T. GRCh37 (hg19) VCF-style: chr16-14041540-C-T.
Other names: c.2087C>T (NM_005236.2); short protein forms P696L.
Identifiers: ClinVar variation 1077179 (VCV001077179.8), dbSNP rs752894496, ClinGen allele CA7910674.

ClinVar aggregate classification (germline): Uncertain significance. Review status: criteria provided, multiple submitters, no conflicts (2 of 4 stars). 6 submissions from 5 submitters: Uncertain significance (6). Last evaluated 2026-03-30.

Conditions:
Fanconi anemia complementation group Q. Identifiers: Orphanet 84, MedGen C3808988, MONDO:0014108, OMIM 615272.
Xeroderma pigmentosum, group F (XPF). Also called: ERCC4-Related Xeroderma Pigmentosum; XERODERMA PIGMENTOSUM, COMPLEMENTATION GROUP F; XERODERMA PIGMENTOSUM VI; XP, GROUP F; XERODERMA PIGMENTOSUM, TYPE F; Xeroderma pigmentosum, type 6. Identifiers: MedGen C0268140, MONDO:0010215, OMIM 278760.
XFE progeroid syndrome (XFEPS). Also called: XPF-ERCC1 PROGEROID SYNDROME. Identifiers: MedGen C1970416, MONDO:0012590, OMIM 610965.
Cockayne syndrome. Identifiers: Orphanet 191, MedGen C0009207, MONDO:0016006.

Allele frequency attached by ClinVar (database versions not stated): gnomAD exomes 0.00003 and 0.00002; gnomAD 0.00001 and 0.00002; ExAC 0.00001; TOPMed 0.00002.
gnomAD v4.1: 50 of 1,614,080 alleles (0.0031%); highest among the groups gnomAD compares: Non-Finnish European, 0.0038%; no homozygotes.

Submissions (6):

GeneDx
Classification: Uncertain significance. Last evaluated: 2026-03-30. Review status: criteria provided, single submitter. Criteria: GeneDx Variant Classification Process June 2021. Collection method: clinical testing. Allele origin: germline.
Comment: Observed compound heterozygous with a second ERCC4 variant in a patient with cognitive impairment, hypotonia, pachygyria, microcephaly, and talipes equinovarus in published literature (PMID: 39039281); In silico analysis supports that this missense variant has a deleterious effect on protein structure/function; Not observed at significant frequency in large population cohorts (gnomAD); This variant is associated with the following publications: (PMID: 39039281)

Labcorp Genetics (formerly Invitae), Labcorp
Classification: Uncertain significance for Fanconi anemia complementation group Q; Xeroderma pigmentosum, group F; Cockayne syndrome. Last evaluated: 2025-01-15. Review status: criteria provided, single submitter. Criteria: Invitae Variant Classification Sherloc (09022015). Collection method: clinical testing. Allele origin: germline.
Comment: This sequence change replaces proline, which is neutral and non-polar, with leucine, which is neutral and non-polar, at codon 696 of the ERCC4 protein (p.Pro696Leu). This variant is present in population databases (rs752894496, gnomAD 0.003%). This variant has not been reported in the literature in individuals affected with ERCC4-related conditions. ClinVar contains an entry for this variant (Variation ID: 1077179). Invitae Evidence Modeling of protein sequence and biophysical properties (such as structural, functional, and spatial information, amino acid conservation, physicochemical variation, residue mobility, and thermodynamic stability) indicates that this missense variant is expected to disrupt ERCC4 protein function with a positive predictive value of 80%. In summary, the available evidence is currently insufficient to determine the role of this variant in disease. Therefore, it has been classified as a Variant of Uncertain Significance.

Fulgent Genetics
Classification: Uncertain significance for Xeroderma pigmentosum, group F; XFE progeroid syndrome; Fanconi anemia complementation group Q. Last evaluated: 2024-01-03. Review status: criteria provided, single submitter. Criteria: ACMG Guidelines, 2015. Collection method: clinical testing. Allele origin: germline.

Institute for Genomic Statistics and Bioinformatics, University Hospital Bonn
Classification: Uncertain significance for Xeroderma pigmentosum, group F. Last evaluated: 2022-03-10. Review status: criteria provided, single submitter. Criteria: ACMG Guidelines, 2015. Collection method: clinical testing. Allele origin: germline. Inheritance: Autosomal recessive inheritance. Affected: yes. Observed: 1 heterozygote.

Baylor Genetics
Classification: Uncertain significance for Fanconi anemia complementation group Q. Last evaluated: 2021-01-30. Review status: criteria provided, single submitter. Criteria: ACMG Guidelines, 2015. Collection method: clinical testing. Allele origin: unknown. Affected: yes. Study: CSER-TexasKidsCanSeq.
Comment: This variant was determined to be of uncertain significance according to ACMG Guidelines, 2015 [PMID:25741868].

Institute for Genomic Statistics and Bioinformatics, University Hospital Bonn
Classification: Uncertain significance for Fanconi anemia complementation group Q; XFE progeroid syndrome. Review status: criteria provided, single submitter. Criteria: ACMG Guidelines, 2015. Collection method: clinical testing. Allele origin: maternal. Inheritance: Autosomal recessive inheritance. Affected: yes.
Comment: The variant leads to the exchange of the amino acid proline, which is highly conserved across very many species, to leucine at position 696 in ERCC4. Bioinformatic prediction programs such as Sift, Poly-Phen, Provean, EIGN, MutationTaster, and UMD Predicor classify the variant c.2087C>T as pathogenic with a CADD score of 33. REVEL and MetaSVM classify this variant as tolerant. According to ACMG guidelines, c.2087C>T is classified as a variant of unclear clinical significance (VUCS). tolerance to sense-altering variations. However, in close proximity, one pathogenic variant (p.Arg689Ser; ClinVar Variation ID: 55824) causal for Fanconi anemia, complementation group Q as well as two other variants of unclear clinical significance (p.Arg701His, ClinVar Variation ID: 858128; p.Arg701Cys, ClinVar Variation ID: 953866) were described as pathogenic. The amino acid substitution p.Pro969 is located in the nuclease domain inside the protein complex, as are p.Arg689Ser or p.Arg701Cys and p.Arg701His. According to ACMG guidelines, c.2087C>T:p is classified as a variant of unclear clinical significance (VUCS). Classification according to ACMG guidelines of c.2087C>T:p.(Pro696Leu) in ERCC4: VUKS - PM2: The variant was identified only rarely (4 heterozygous carriers in 125722 individuals; allele frequency 1.59*10-5) in population genetic studies (GnomAD) and never observed in homozygous status. - PP3: Bioinformatic prediction programs predominantly classify this variant as pathogenic